The following is an entry in ClinVar:

ClinVar aggregate classification (germline): Pathogenic/Likely pathogenic. Review status: criteria provided, multiple submitters, no conflicts (2 of 4 stars). 3 submissions from 3 submitters: Pathogenic (2); Likely pathogenic (1). Last evaluated 2025-02-10.

Conditions:
Intellectual disability, autosomal recessive 53 (NEDHSCA). Also called: GLYCOSYLPHOSPHATIDYLINOSITOL BIOSYNTHESIS DEFECT 13; Mental retardation, autosomal recessive 53; NEURODEVELOPMENTAL DISORDER WITH OR WITHOUT HYPOTONIA, SEIZURES, AND CEREBELLAR ATROPHY. Identifiers: Orphanet 488635, MedGen C4310794, MONDO:0014832, OMIM 616917.

Allele frequency attached by ClinVar (database versions not stated): gnomAD exomes 0.00001.

Submissions (3):

GeneDx
Classification: Likely pathogenic. Last evaluated: 2025-02-10. Review status: criteria provided, single submitter. Criteria: GeneDx Variant Classification Process June 2021. Collection method: clinical testing. Allele origin: germline. Affected: yes.
Comment: Frameshift variant predicted to result in protein truncation or nonsense mediated decay in a gene for which loss of function is a known mechanism of disease; Not observed at significant frequency in large population cohorts (gnomAD); Has not been previously published as pathogenic or benign to our knowledge; This variant is associated with the following publications: (PMID: 26996948, 28771251, 28581210)

Labcorp Genetics (formerly Invitae), Labcorp
Classification: Pathogenic for Intellectual disability, autosomal recessive 53. Last evaluated: 2023-09-14. Review status: criteria provided, single submitter. Criteria: Invitae Variant Classification Sherloc (09022015). Collection method: clinical testing. Allele origin: germline.
Comment: For these reasons, this variant has been classified as Pathogenic. ClinVar contains an entry for this variant (Variation ID: 2573456). This variant has not been reported in the literature in individuals affected with PIGG-related conditions. This variant is not present in population databases (gnomAD no frequency). This sequence change creates a premature translational stop signal (p.Ser749Glnfs*10) in the PIGG gene. It is expected to result in an absent or disrupted protein product. Loss-of-function variants in PIGG are known to be pathogenic (PMID: 26996948, 28581210, 28771251).

Women's Health and Genetics/Laboratory Corporation of America, LabCorp
Classification: Pathogenic for Intellectual disability, autosomal recessive 53. Last evaluated: 2023-06-30. Review status: criteria provided, single submitter. Criteria: LabCorp Variant Classification Summary - May 2015. Collection method: clinical testing. Allele origin: germline.
Comment: Variant summary: PIGG c.2244dupC (p.Ser749GlnfsX10) results in a premature termination codon, predicted to cause a truncation of the encoded protein or absence of the protein due to nonsense mediated decay, which are commonly known mechanisms for disease. The variant was absent in 233470 control chromosomes. To our knowledge, no occurrence of c.2244dupC in individuals affected with Intellectual Disability, Autosomal Recessive 53 and no experimental evidence demonstrating its impact on protein function have been reported. No submitters have cited clinical-significance assessments for this variant to ClinVar after 2014. Based on the evidence outlined above, the variant was classified as pathogenic.

Literature cited by the submitters: PubMed 26996948 (cited by Labcorp Genetics (formerly Invitae), Labcorp); PubMed 28581210 (cited by Labcorp Genetics (formerly Invitae), Labcorp); PubMed 28771251 (cited by Labcorp Genetics (formerly Invitae), Labcorp).

NM_001127178.3(PIGG):c.2244dup (p.Ser749fs)

Gene: PIGG (phosphatidylinositol glycan anchor biosynthesis class G (EMM blood group); plus strand). Cytogenetic location: 4p16.3.
Variant type: Duplication.
Coding change: c.2244dup on transcript NM_001127178.3 (MANE Select); coding-DNA position 2244, one base duplicated (C; older notation c.2244dupC).
Protein change: p.Ser749fs; shifts the reading frame from serine 749.
Molecular consequence: frameshift variant. On other transcripts: non-coding transcript variant (10).
Genome position (GRCh38, 1-based): chr4:527,213, C duplicated. VCF-style (leftmost placement, unchanged base first): chr4-527212-A-AC. GRCh37 (hg19) VCF-style: chr4-521001-A-AC.
Other names: c.1977dup, p.Ser660fs (NM_001289051.2, NM_001345986.2); c.1845dup, p.Ser616fs (NM_001289052.2); c.1953dup, p.Ser652fs (NM_001345987.2); c.1215dup, p.Ser406fs (NM_001345988.2); c.711dup, p.Ser238fs (NM_001345990.2, NM_001345991.2); c.1146dup, p.Ser383fs (NM_001345994.2); c.2220dup, p.Ser741fs (NM_017733.5); c.2244dup (NM_001127178.2); and 1 more; short protein forms S238fs, S383fs, S406fs, S616fs, S652fs, S660fs, S741fs, S749fs.
Identifiers: ClinVar variation 2573456 (VCV002573456.5), dbSNP rs2474992925, ClinGen allele CA2578008966.